The following is an entry in ClinVar:

NM_002772.3(TMPRSS15):c.967G>T (p.Asp323Tyr)

Gene: TMPRSS15 (transmembrane serine protease 15; minus strand). Cytogenetic location: 21q21.1.
Variant type: single nucleotide variant.
Coding change: c.967G>T on transcript NM_002772.3 (MANE Select); coding-DNA position 967, G replaced by T.
Protein change: p.Asp323Tyr; replaces aspartic acid 323 with tyrosine.
Molecular consequence: missense variant.
Genome position (GRCh38, 1-based): chr21:18,353,777, C>A on the plus strand (G>T on the coding strand, the complement: TMPRSS15 is on the minus strand). VCF-style: chr21-18353777-C-A. GRCh37 (hg19) VCF-style: chr21-19726094-C-A.
Other names: c.1102G>T, p.Asp368Tyr (NM_001428056.1); c.967G>T, p.Asp323Tyr (NM_001428057.1); short protein forms D323Y, D368Y.
Identifiers: ClinVar variation 3678290 (VCV003678290.2).

ClinVar aggregate classification (germline): Uncertain significance (1 of 4 stars; one submission).

Submission:

Labcorp Genetics (formerly Invitae), Labcorp
Classification: Uncertain significance. Last evaluated: 2024-11-11. Review status: criteria provided, single submitter. Criteria: Invitae Variant Classification Sherloc (09022015). Collection method: clinical testing. Allele origin: germline.
Comment: This sequence change replaces aspartic acid, which is acidic and polar, with tyrosine, which is neutral and polar, at codon 323 of the TMPRSS15 protein (p.Asp323Tyr). This variant is not present in population databases (gnomAD no frequency). This variant has not been reported in the literature in individuals affected with TMPRSS15-related conditions. An algorithm developed to predict the effect of missense changes on protein structure and function outputs the following: PolyPhen-2: "Benign". The tyrosine amino acid residue is found in multiple mammalian species, which suggests that this missense change does not adversely affect protein function. In summary, the available evidence is currently insufficient to determine the role of this variant in disease. Therefore, it has been classified as a Variant of Uncertain Significance.